The following is an entry in ClinVar:

ClinVar aggregate classification (germline): Uncertain significance. Review status: criteria provided, multiple submitters, no conflicts (2 of 4 stars). 2 submissions from 2 submitters: Uncertain significance (2). Last evaluated 2026-05-28.

Conditions:
EDNRB-related disorder. Also called: EDNRB-related disorders; EDNRB-related condition.

Submissions (2):

PreventionGenetics, part of Exact Sciences
Classification: Uncertain significance for EDNRB-related condition. Last evaluated: 2026-05-28. Review status: criteria provided, single submitter. Criteria: ACMG Guidelines, 2015. Collection method: clinical testing. Allele origin: germline.
Comment: The EDNRB c.344G>A variant is predicted to result in the amino acid substitution p.Gly115Glu. To our knowledge, this variant has not been reported in the literature or in a large population database (gnomAD), indicating this variant is rare. An alternative amino acid substitution (Arg) at this position has been reported in a patient with Hirschsprung disease and was inherited from their affected father (Sánchez-Mejías et al. 2010. PubMed ID: 20009762). At this time, the clinical significance of this variant is uncertain due to the absence of conclusive functional and genetic evidence.

GeneDx
Classification: Uncertain significance. Last evaluated: 2019-10-04. Review status: criteria provided, single submitter. Criteria: GeneDx Variant Classification Process June 2021. Collection method: clinical testing. Allele origin: germline. Affected: yes.
Comment: Not observed in large population cohorts (Lek et al., 2016); In silico analysis, which includes protein predictors and evolutionary conservation, supports a deleterious effect; Has not been previously published as pathogenic or benign to our knowledge

NM_001122659.3(EDNRB):c.344G>A (p.Gly115Glu)

Gene: EDNRB (endothelin receptor type B; minus strand). Cytogenetic location: 13q22.3.
Variant type: single nucleotide variant.
Coding change: c.344G>A on transcript NM_001122659.3 (MANE Select); coding-DNA position 344, G replaced by A.
Protein change: p.Gly115Glu; replaces glycine 115 with glutamic acid.
Molecular consequence: missense variant.
Genome position (GRCh38, 1-based): chr13:77,918,230, C>T on the plus strand (G>A on the coding strand, the complement: EDNRB is on the minus strand). VCF-style: chr13-77918230-C-T. GRCh37 (hg19) VCF-style: chr13-78492365-C-T.
Other names: c.344G>A, p.Gly115Glu (NM_000115.5, NM_003991.4); c.614G>A, p.Gly205Glu (NM_001201397.2); c.344G>A (NM_000115.4); short protein forms G115E, G205E.
Identifiers: ClinVar variation 451476 (VCV000451476.4), dbSNP rs1555291991, ClinGen allele CA388452541.